The following is an entry in ClinVar:

ClinVar aggregate classification (germline): Uncertain significance. Review status: criteria provided, multiple submitters, no conflicts (2 of 4 stars). 3 submissions from 3 submitters: Uncertain significance (3). Last evaluated 2024-06-18.

Conditions:
Cardiovascular phenotype. Identifiers: MedGen CN230736.
Familial apolipoprotein C-II deficiency. Also called: APOC2 DEFICIENCY; C-II ANAPOLIPOPROTEINEMIA; HYPERLIPOPROTEINEMIA, TYPE IB. Identifiers: Orphanet 309020, Orphanet 444490, MedGen C1720779, MONDO:0008810, OMIM 207750.

Allele frequency attached by ClinVar (database versions not stated): ESP Exome Variant Server 0.00031.
gnomAD v4.1: 75 of 1,613,892 alleles (0.0046%); highest among the groups gnomAD compares: Non-Finnish European, 0.0063%; no homozygotes.

Submissions (3):

Fulgent Genetics
Classification: Uncertain significance for Familial apolipoprotein C-II deficiency. Last evaluated: 2024-06-18. Review status: criteria provided, single submitter. Criteria: ACMG Guidelines, 2015. Collection method: clinical testing. Allele origin: germline.

Ambry Genetics
Classification: Uncertain significance for Cardiovascular phenotype. Last evaluated: 2022-10-07. Review status: criteria provided, single submitter. Criteria: Ambry Variant Classification Scheme 2023. Collection method: clinical testing. Allele origin: germline.
Comment: The p.R4G variant (also known as c.10C>G), located in coding exon 1 of the APOC2 gene, results from a C to G substitution at nucleotide position 10. The arginine at codon 4 is replaced by glycine, an amino acid with dissimilar properties. This amino acid position is conserved. In addition, the in silico prediction for this alteration is inconclusive. Since supporting evidence is limited at this time, the clinical significance of this alteration remains unclear.

Labcorp Genetics (formerly Invitae), Labcorp
Classification: Uncertain significance. Last evaluated: 2021-12-24. Review status: criteria provided, single submitter. Criteria: Invitae Variant Classification Sherloc (09022015). Collection method: clinical testing. Allele origin: germline.
Comment: This sequence change replaces arginine, which is basic and polar, with glycine, which is neutral and non-polar, at codon 4 of the APOC2 protein (p.Arg4Gly). This variant is present in population databases (rs202190413, gnomAD 0.01%). This variant has not been reported in the literature in individuals affected with APOC2-related conditions. Algorithms developed to predict the effect of missense changes on protein structure and function (SIFT, PolyPhen-2, Align-GVGD) all suggest that this variant is likely to be disruptive. Algorithms developed to predict the effect of sequence changes on RNA splicing suggest that this variant may create or strengthen a splice site. In summary, the available evidence is currently insufficient to determine the role of this variant in disease. Therefore, it has been classified as a Variant of Uncertain Significance.

NM_000483.5(APOC2):c.10C>G (p.Arg4Gly)

Genes: APOC4-APOC2 (APOC4-APOC2 readthrough (NMD candidate); plus strand), APOC2 (apolipoprotein C2; plus strand). Cytogenetic location: 19q13.32.
Variant type: single nucleotide variant.
Coding change: c.10C>G on transcript NM_000483.5 (MANE Select); coding-DNA position 10, C replaced by G.
Protein change: p.Arg4Gly; replaces arginine 4 with glycine.
Molecular consequence: missense variant. On other transcripts: non-coding transcript variant (1).
Genome position (GRCh38, 1-based): chr19:44,948,488, C>G. VCF-style: chr19-44948488-C-G. GRCh37 (hg19) VCF-style: chr19-45451745-C-G.
Other names: short protein forms R4G.
Identifiers: ClinVar variation 1791964 (VCV001791964.6), dbSNP rs202190413, ClinGen allele CA9506566.